The following is an entry in ClinVar:

ClinVar aggregate classification (germline): Uncertain significance (1 of 4 stars; one submission).

Conditions:
POLD1-related polyposis and colorectal cancer syndrome (CRCS10). Also called: COLORECTAL CANCER, SUSCEPTIBILITY TO, ON CHROMOSOME 19q; Colorectal cancer 10; Colorectal cancer, susceptibility to, 10. Identifiers: Orphanet 220460, MedGen C2675481, MONDO:0012953, OMIM 612591.

gnomAD v4.1: 1 of 1,603,688 alleles (0.000062%); no homozygotes.

Submission:

Labcorp Genetics (formerly Invitae), Labcorp
Classification: Uncertain significance for POLD1-related polyposis and colorectal cancer syndrome. Last evaluated: 2025-10-20. Review status: criteria provided, single submitter. Criteria: Invitae Variant Classification Sherloc (09022015). Collection method: clinical testing. Allele origin: germline.
Comment: This sequence change falls in intron 2 of the POLD1 gene. It does not directly change the encoded amino acid sequence of the POLD1 protein. This variant is not present in population databases (gnomAD no frequency). This variant has not been reported in the literature in individuals affected with POLD1-related conditions. Algorithms developed to predict the effect of sequence changes on RNA splicing suggest that this variant may disrupt the consensus splice site. In summary, the available evidence is currently insufficient to determine the role of this variant in disease. Therefore, it has been classified as a Variant of Uncertain Significance.

NM_002691.4(POLD1):c.203-12T>G

Gene: POLD1 (DNA polymerase delta 1, catalytic subunit; plus strand). Cytogenetic location: 19q13.33.
Variant type: single nucleotide variant.
Coding change: c.203-12T>G on transcript NM_002691.4 (MANE Select); 12 bases into the intron before coding-DNA position 203, T replaced by G.
Molecular consequence: intron variant.
Genome position (GRCh38, 1-based): chr19:50,399,359, T>G. VCF-style: chr19-50399359-T-G. GRCh37 (hg19) VCF-style: chr19-50902616-T-G.
Other names: c.203-12T>G (NM_001256849.1, NM_001438212.1, NM_001438213.1 and 3 more transcripts).
Identifiers: ClinVar variation 4809461 (VCV004809461.1).